The following is an entry in ClinVar:

ClinVar aggregate classification (germline): Uncertain significance (1 of 4 stars; one submission).

Conditions:
Nemaline myopathy 10 (NEM10). Identifiers: MedGen C4015360, MONDO:0014513, OMIM 616165.

Allele frequency attached by ClinVar (database versions not stated): gnomAD exomes below 0.00001.
gnomAD v4.1: 3 of 1,613,910 alleles (0.00019%); highest among the groups gnomAD compares: Non-Finnish European, 0.00017%; no homozygotes.

Submission:

Labcorp Genetics (formerly Invitae), Labcorp
Classification: Uncertain significance for Nemaline myopathy 10. Last evaluated: 2022-03-08. Review status: criteria provided, single submitter. Criteria: Invitae Variant Classification Sherloc (09022015). Collection method: clinical testing. Allele origin: germline.
Comment: This variant is not present in population databases (gnomAD no frequency). In summary, the available evidence is currently insufficient to determine the role of this variant in disease. Therefore, it has been classified as a Variant of Uncertain Significance. Algorithms developed to predict the effect of missense changes on protein structure and function (SIFT, PolyPhen-2, Align-GVGD) all suggest that this variant is likely to be disruptive. This variant has not been reported in the literature in individuals affected with LMOD3-related conditions. This sequence change replaces glutamic acid, which is acidic and polar, with glycine, which is neutral and non-polar, at codon 269 of the LMOD3 protein (p.Glu269Gly).

NM_198271.5(LMOD3):c.806A>G (p.Glu269Gly)

Gene: LMOD3 (leiomodin 3; minus strand). Cytogenetic location: 3p14.1.
Variant type: single nucleotide variant.
Coding change: c.806A>G on transcript NM_198271.5 (MANE Select); coding-DNA position 806, A replaced by G.
Protein change: p.Glu269Gly; replaces glutamic acid 269 with glycine.
Molecular consequence: missense variant.
Genome position (GRCh38, 1-based): chr3:69,119,549, T>C on the plus strand (A>G on the coding strand, the complement: LMOD3 is on the minus strand). VCF-style: chr3-69119549-T-C. GRCh37 (hg19) VCF-style: chr3-69168700-T-C.
Other names: c.806A>G, p.Glu269Gly (NM_001304418.3); short protein forms E269G.
Identifiers: ClinVar variation 1367101 (VCV001367101.8), dbSNP rs2107526495, ClinGen allele CA353474618.
Genomic context (GRCh38, chr3:69,119,549, plus strand): 5'-AAACTGAATGTTTTGATGTGCTTGTTTTTCTTCATTGCATTGACAAAGTCCAGTAACATT[T>C]CTTTGGGGATGTTTTCAATGTTGTTCAGGTTGAGTTCCTTCATGTCAGGATCATTTTTCC-3'
Protein context (NP_938012.2, residues 259-279): NLNNIENIPK[Glu269Gly]MLLDFVNAMK